The following is an entry in ClinVar:

ClinVar aggregate classification (germline): Uncertain significance (1 of 4 stars; one submission).

Submission:

Labcorp Genetics (formerly Invitae), Labcorp
Classification: Uncertain significance. Last evaluated: 2022-03-24. Review status: criteria provided, single submitter. Criteria: Invitae Variant Classification Sherloc (09022015). Collection method: clinical testing. Allele origin: germline.
Comment: In summary, the available evidence is currently insufficient to determine the role of this variant in disease. Therefore, it has been classified as a Variant of Uncertain Significance. Algorithms developed to predict the effect of missense changes on protein structure and function are either unavailable or do not agree on the potential impact of this missense change (SIFT: "Deleterious"; PolyPhen-2: "Probably Damaging"; Align-GVGD: "Class C0"). This variant has not been reported in the literature in individuals affected with GPR179-related conditions. This variant is not present in population databases (gnomAD no frequency). This sequence change replaces serine, which is neutral and polar, with arginine, which is basic and polar, at codon 487 of the GPR179 protein (p.Ser487Arg).

NM_001004334.4(GPR179):c.1461C>A (p.Ser487Arg)

Gene: GPR179 (G protein-coupled receptor 179; minus strand). Cytogenetic location: 17q12.
Variant type: single nucleotide variant.
Coding change: c.1461C>A on transcript NM_001004334.4 (MANE Select); coding-DNA position 1461, C replaced by A.
Protein change: p.Ser487Arg; replaces serine 487 with arginine.
Molecular consequence: missense variant.
Genome position (GRCh38, 1-based): chr17:38,335,217, G>T on the plus strand (C>A on the coding strand, the complement: GPR179 is on the minus strand). VCF-style: chr17-38335217-G-T. GRCh37 (hg19) VCF-style: chr17-36491100-G-T.
Other names: short protein forms S487R.
Identifiers: ClinVar variation 1958504 (VCV001958504.5), dbSNP rs889934387, ClinGen allele CA398886801.